The following is an entry in ClinVar:

NM_000048.4(ASL):c.*265C>T

Gene: ASL (argininosuccinate lyase; plus strand). Cytogenetic location: 7q11.21.
Variant type: single nucleotide variant.
Coding change: c.*265C>T on transcript NM_000048.4 (MANE Select); 265 bases downstream of the stop codon, C replaced by T.
Molecular consequence: 3 prime UTR variant.
Genome position (GRCh38, 1-based): chr7:66,093,177, C>T. VCF-style: chr7-66093177-C-T. GRCh37 (hg19) VCF-style: chr7-65558164-C-T.
Other names: c.*265C>T (NM_001024943.2, NM_001024944.2, NM_001024946.2).
Identifiers: ClinVar variation 360572 (VCV000360572.8), dbSNP rs465359, ClinGen allele CA10624176.

ClinVar aggregate classification (germline): Benign. Review status: criteria provided, multiple submitters, no conflicts (2 of 4 stars). 3 submissions from 3 submitters: Benign (3). Last evaluated 2018-07-05.

Conditions:
Argininosuccinate lyase deficiency. Also called: ARGININOSUCCINIC ACID LYASE DEFICIENCY; ASL DEFICIENCY; Argininosuccinic aciduria. Identifiers: Orphanet 23, MedGen C0268547, MONDO:0008815, OMIM 207900, HP:0025630.

Allele frequency attached by ClinVar (database versions not stated): gnomAD 0.09815 and 0.10316; TOPMed 0.11195; gnomAD exomes 0.12631; 1000 Genomes Project 30x 0.13492; 1000 Genomes Project 0.13698.

Submissions (3):

GeneDx
Classification: Benign. Last evaluated: 2018-07-05. Review status: criteria provided, single submitter. Criteria: GeneDx Variant Classification Process June 2021. Collection method: clinical testing. Allele origin: germline. Affected: yes.

Illumina Laboratory Services, Illumina
Classification: Benign for Argininosuccinate lyase deficiency. Last evaluated: 2018-01-13. Review status: criteria provided, single submitter. Criteria: ICSL Variant Classification Criteria 13 December 2019. Collection method: clinical testing. Allele origin: germline.
Comment: This variant was observed in the ICSL laboratory as part of a predisposition screen in an ostensibly healthy population. It had not been previously curated by ICSL or reported in the Human Gene Mutation Database (HGMD: prior to June 1st, 2018), and was therefore a candidate for classification through an automated scoring system. Utilizing variant allele frequency, disease prevalence and penetrance estimates, and inheritance mode, an automated score was calculated to assess if this variant is too frequent to cause the disease. Based on the score and internal cut-off values, a variant classified as benign is not then subjected to further curation. The score for this variant resulted in a classification of benign for this disease.

Breakthrough Genomics
Classification: Benign. Review status: criteria provided, single submitter. Criteria: ACMG Guidelines, 2015. Collection method: not provided. Allele origin: germline. Inheritance: Autosomal recessive inheritance. Affected: yes.